The following is an entry in ClinVar:

ClinVar aggregate classification (germline): Pathogenic (1 of 4 stars; one submission).

Submission:

CeGaT Center for Human Genetics Tuebingen
Classification: Pathogenic. Last evaluated: 2024-01-01. Review status: criteria provided, single submitter. Criteria: CeGaT Center For Human Genetics Tuebingen Variant Classification Criteria Version 2. Collection method: clinical testing. Allele origin: germline. Affected: yes. Observed: 1 variant allele.
Comment: MYT1L: PVS1, PM2

NM_001303052.2(MYT1L):c.2450G>A (p.Trp817Ter)

Gene: MYT1L (myelin transcription factor 1 like; minus strand). Cytogenetic location: 2p25.3.
Variant type: single nucleotide variant.
Coding change: c.2450G>A on transcript NM_001303052.2 (MANE Select); coding-DNA position 2450, G replaced by A.
Protein change: p.Trp817Ter; replaces tryptophan 817 with a stop codon.
Molecular consequence: nonsense.
Genome position (GRCh38, 1-based): chr2:1,889,311, C>T on the plus strand (G>A on the coding strand, the complement: MYT1L is on the minus strand). VCF-style: chr2-1889311-C-T. GRCh37 (hg19) VCF-style: chr2-1893083-C-T.
Other names: c.2450G>A, p.Trp817Ter (NM_001329844.2, NM_001329845.1, NM_001329851.3); c.2444G>A, p.Trp815Ter (NM_001329846.3, NM_001329847.2, NM_001329848.1 and 3 more transcripts); short protein forms W815*, W817*.
Identifiers: ClinVar variation 3026857 (VCV003026857.22), dbSNP rs2550702880, ClinGen allele CA345710669.